The following is an entry in ClinVar:

NM_000359.3(TGM1):c.1552G>A (p.Val518Met)

Gene: TGM1 (transglutaminase 1; minus strand). Cytogenetic location: 14q12.
Variant type: single nucleotide variant.
Coding change: c.1552G>A on transcript NM_000359.3 (MANE Select); coding-DNA position 1552, G replaced by A.
Protein change: p.Val518Met; replaces valine 518 with methionine.
Molecular consequence: missense variant.
Genome position (GRCh38, 1-based): chr14:24,255,457, C>T on the plus strand (G>A on the coding strand, the complement: TGM1 is on the minus strand). VCF-style: chr14-24255457-C-T. GRCh37 (hg19) VCF-style: chr14-24724663-C-T.
Other names: short protein forms V518M.
Identifiers: ClinVar variation 12496 (VCV000012496.54), dbSNP rs35312232, ClinGen allele CA256472.

ClinVar aggregate classification (germline): Conflicting classifications of pathogenicity. Review status: criteria provided, conflicting classifications (1 of 4 stars). 12 submissions from 12 submitters: Uncertain significance (1); Benign (4); Likely benign (3). 4 of the submissions do not count toward it. Last evaluated 2026-02-01.

Conditions:
Autosomal recessive congenital ichthyosis 1 (LI1). Also called: LAMELLAR EXFOLIATION OF NEWBORN; COLLODION FETUS; DESQUAMATION OF NEWBORN; ICHTHYOSIS, CONGENITAL, AUTOSOMAL RECESSIVE 1, WITH BATHING SUIT DISTRIBUTION; ICHTHYOSIS, CONGENITAL, AUTOSOMAL RECESSIVE 1, WITH OR WITHOUT BATHING SUIT DISTRIBUTION; ICHTHYOSIS CONGENITA. Identifiers: MedGen C4551630, MONDO:0009441, OMIM 242300.

Allele frequency attached by ClinVar (database versions not stated): 1000 Genomes Project 0.00359; 1000 Genomes Project 30x 0.00390; TOPMed 0.00953; ExAC 0.01040; gnomAD 0.01102 and 0.01146.
gnomAD v4.1: 25,656 of 1,614,116 alleles (1.6%); highest among the groups gnomAD compares: Non-Finnish European, 1.9%; 230 homozygotes.

Submissions (12):

Labcorp Genetics (formerly Invitae), Labcorp
Classification: Benign. Last evaluated: 2026-02-01. Review status: criteria provided, single submitter. Criteria: Invitae Variant Classification Sherloc (09022015). Collection method: clinical testing. Allele origin: germline.

CeGaT Center for Human Genetics Tuebingen
Classification: Benign. Last evaluated: 2025-12-01. Review status: criteria provided, single submitter. Criteria: CeGaT Center For Human Genetics Tuebingen Variant Classification Criteria Version 2. Collection method: clinical testing. Allele origin: germline. Affected: yes. Observed: 7 variant alleles.
Comment: TGM1: BP4, BS1, BS2

Women's Health and Genetics/Laboratory Corporation of America, LabCorp
Classification: Likely benign. Last evaluated: 2021-12-10. Review status: criteria provided, single submitter. Criteria: LabCorp Variant Classification Summary - May 2015. Collection method: clinical testing. Allele origin: germline.

Mendelics
Classification: Likely benign for Autosomal recessive congenital ichthyosis 1. Last evaluated: 2019-05-28. Review status: criteria provided, single submitter. Criteria: Mendelics Assertion Criteria 2017. Collection method: clinical testing. Allele origin: unknown.

Illumina Laboratory Services, Illumina
Classification: Uncertain significance for Autosomal recessive congenital ichthyosis 1. Last evaluated: 2017-04-27. Review status: criteria provided, single submitter. Criteria: ICSL Variant Classification Criteria 13 December 2019. Collection method: clinical testing. Allele origin: germline.
Comment: This variant was observed as part of a predisposition screen in an ostensibly healthy population. A literature search was performed for the gene, cDNA change, and amino acid change (where applicable). Publications were found based on this search. However, the evidence from the literature, in combination with allele frequency data from public databases where available, was not sufficient to rule this variant in or out of causing disease. Therefore, this variant is classified as a variant of unknown significance.

GeneDx
Classification: Benign. Last evaluated: 2015-06-23. Review status: criteria provided, single submitter. Criteria: GeneDx Variant Classification (06012015). Collection method: clinical testing. Allele origin: germline. Affected: yes.
Comment: This variant is considered likely benign or benign based on one or more of the following criteria: it is a conservative change, it occurs at a poorly conserved position in the protein, it is predicted to be benign by multiple in silico algorithms, and/or has population frequency not consistent with disease.

Broad Center for Mendelian Genomics, Broad Institute of MIT and Harvard
Classification: Benign for Autosomal recessive congenital ichthyosis 1. Review status: criteria provided, single submitter. Criteria: ACMG Guidelines, 2015. Collection method: research. Allele origin: germline. Inheritance: Autosomal recessive inheritance. Affected: yes.
Comment: The p.Val518Met variant in TGM1 has been identified in at least 2 individuals with lamellar ichthyosis (PMID: 9545389), and has been identified in >1% of Euroopean (Finnish) chromosomes and 6 homozygotes by ExAC. In summary, this variant meets criteria to be classified as benign for lamellar ichthyosis.

PreventionGenetics, part of Exact Sciences
Classification: Likely benign. Review status: criteria provided, single submitter. Criteria: ACMG Guidelines, 2015. Collection method: clinical testing. Allele origin: germline.

Natera, Inc.
Classification: Benign for Autosomal recessive congenital ichthyosis type 1. Last evaluated: 2020-09-16. Review status: no assertion criteria provided. Collection method: clinical testing. Allele origin: germline. Not counted in ClinVar's aggregate classification.

OMIM
Classification: Pathogenic for ICHTHYOSIS, CONGENITAL, AUTOSOMAL RECESSIVE 1. Last evaluated: 2001-04-01. Review status: no assertion criteria provided. Collection method: literature only. Allele origin: germline. Not counted in ClinVar's aggregate classification.

Genome Diagnostics Laboratory, University Medical Center Utrecht
Classification: Likely benign. Review status: no assertion criteria provided. Collection method: clinical testing. Allele origin: germline. Affected: yes. Study: VKGL Data-share Consensus. Not counted in ClinVar's aggregate classification.

Joint Genome Diagnostic Labs from Nijmegen and Maastricht, Radboudumc and MUMC+
Classification: Benign. Review status: no assertion criteria provided. Collection method: clinical testing. Allele origin: germline. Affected: yes. Study: VKGL Data-share Consensus. Not counted in ClinVar's aggregate classification.

Literature cited by the submitters: PubMed 9545389 (cited by Illumina Laboratory Services, Illumina); PubMed 11298529 (cited by Illumina Laboratory Services, Illumina and OMIM); PubMed 16133457 (cited by Illumina Laboratory Services, Illumina); PubMed 19241467 (cited by Illumina Laboratory Services, Illumina); PubMed 11348475 (cited by Illumina Laboratory Services, Illumina).